The following is an entry in ClinVar:

ClinVar aggregate classification (germline): Uncertain significance (1 of 4 stars; one submission).

Conditions:
Methylmalonic aciduria and homocystinuria type cblD (MAHCD). Also called: Methylmalonic aciduria with homocystinuria cblD type; METHYLMALONIC ACIDEMIA, cblH TYPE. Identifiers: Orphanet 622, Orphanet 79283, MedGen C1848552, MONDO:0010185, OMIM 277410.

Allele frequency attached by ClinVar (database versions not stated): gnomAD 0.00001; gnomAD exomes 0.00001; ExAC 0.00003.
gnomAD v4.1: 17 of 1,613,828 alleles (0.0011%); highest among the groups gnomAD compares: South Asian, 0.019%; no homozygotes.

Submission:

Labcorp Genetics (formerly Invitae), Labcorp
Classification: Uncertain significance for Methylmalonic aciduria and homocystinuria type cblD. Last evaluated: 2024-03-04. Review status: criteria provided, single submitter. Criteria: Invitae Variant Classification Sherloc (09022015). Collection method: clinical testing. Allele origin: germline.
Comment: This sequence change replaces proline, which is neutral and non-polar, with alanine, which is neutral and non-polar, at codon 58 of the MMADHC protein (p.Pro58Ala). This variant is present in population databases (rs748188672, gnomAD 0.03%). This variant has not been reported in the literature in individuals affected with MMADHC-related conditions. ClinVar contains an entry for this variant (Variation ID: 2151104). Advanced modeling of protein sequence and biophysical properties (such as structural, functional, and spatial information, amino acid conservation, physicochemical variation, residue mobility, and thermodynamic stability) performed at Invitae indicates that this missense variant is not expected to disrupt MMADHC protein function with a negative predictive value of 80%. In summary, the available evidence is currently insufficient to determine the role of this variant in disease. Therefore, it has been classified as a Variant of Uncertain Significance.

NM_015702.3(MMADHC):c.172C>G (p.Pro58Ala)

Gene: MMADHC (metabolism of cobalamin associated D; minus strand). Cytogenetic location: 2q23.2.
Variant type: single nucleotide variant.
Coding change: c.172C>G on transcript NM_015702.3 (MANE Select); coding-DNA position 172, C replaced by G.
Protein change: p.Pro58Ala; replaces proline 58 with alanine.
Molecular consequence: missense variant.
Genome position (GRCh38, 1-based): chr2:149,579,631, G>C on the plus strand (C>G on the coding strand, the complement: MMADHC is on the minus strand). VCF-style: chr2-149579631-G-C. GRCh37 (hg19) VCF-style: chr2-150436145-G-C.
Other names: short protein forms P58A.
Identifiers: ClinVar variation 2151104 (VCV002151104.3), dbSNP rs748188672, ClinGen allele CA1902471.